The following is an entry in ClinVar:

ClinVar aggregate classification (germline): Uncertain significance (1 of 4 stars; one submission).

Conditions:
Immunodeficiency 35 (IMD35). Also called: HIES WITH ATYPICAL MYCOBACTERIOSIS, AUTOSOMAL RECESSIVE; HYPER-IgE SYNDROME WITH ATYPICAL MYCOBACTERIOSIS, AUTOSOMAL RECESSIVE; TYK2 DEFICIENCY; Susceptibility to infection due to TYK2 deficiency. Identifiers: Orphanet 331226, MedGen C1969086, MONDO:0012682, OMIM 611521.

Allele frequency attached by ClinVar (database versions not stated): gnomAD 0.00001; TOPMed 0.00001.
gnomAD v4.1: 9 of 1,613,910 alleles (0.00056%); highest among the groups gnomAD compares: East Asian, 0.0022%; no homozygotes.

Submission:

Labcorp Genetics (formerly Invitae), Labcorp
Classification: Uncertain significance for Immunodeficiency 35. Last evaluated: 2018-10-14. Review status: criteria provided, single submitter. Criteria: Invitae Variant Classification Sherloc (09022015). Collection method: clinical testing. Allele origin: germline.
Comment: Algorithms developed to predict the effect of missense changes on protein structure and function output the following: SIFT: "Deleterious"; PolyPhen-2: "Benign"; Align-GVGD: "Class C0". The leucine amino acid residue is found in multiple mammalian species, suggesting that this missense change does not adversely affect protein function. These predictions have not been confirmed by published functional studies and their clinical significance is uncertain. In summary, the available evidence is currently insufficient to determine the role of this variant in disease. Therefore, it has been classified as a Variant of Uncertain Significance. This variant has not been reported in the literature in individuals with TYK2-related disease. This variant is not present in population databases (ExAC no frequency). This sequence change replaces proline with leucine at codon 882 of the TYK2 protein (p.Pro882Leu). The proline residue is moderately conserved and there is a moderate physicochemical difference between proline and leucine.

NM_003331.5(TYK2):c.2645C>T (p.Pro882Leu)

Gene: TYK2 (tyrosine kinase 2; minus strand). Cytogenetic location: 19p13.2.
Variant type: single nucleotide variant.
Coding change: c.2645C>T on transcript NM_003331.5 (MANE Select); coding-DNA position 2645, C replaced by T.
Protein change: p.Pro882Leu; replaces proline 882 with leucine.
Molecular consequence: missense variant.
Genome position (GRCh38, 1-based): chr19:10,354,582, G>A on the plus strand (C>T on the coding strand, the complement: TYK2 is on the minus strand). VCF-style: chr19-10354582-G-A. GRCh37 (hg19) VCF-style: chr19-10465258-G-A.
Other names: c.2645C>T (LRG_121t1); short protein forms P882L.
Identifiers: ClinVar variation 659248 (VCV000659248.7), dbSNP rs1140385, ClinGen allele CA403990105.